The following is an entry in ClinVar:

ClinVar aggregate classification (germline): Uncertain significance (1 of 4 stars; one submission).

Allele frequency attached by ClinVar (database versions not stated): ExAC 0.00002; gnomAD 0.00003; TOPMed 0.00003; ESP Exome Variant Server 0.00008.

Submission:

Labcorp Genetics (formerly Invitae), Labcorp
Classification: Uncertain significance. Last evaluated: 2022-08-19. Review status: criteria provided, single submitter. Criteria: Invitae Variant Classification Sherloc (09022015). Collection method: clinical testing. Allele origin: germline.
Comment: This sequence change replaces arginine, which is basic and polar, with glutamine, which is neutral and polar, at codon 27 of the PEPD protein (p.Arg27Gln). This variant is present in population databases (rs372527759, gnomAD 0.02%). This variant has not been reported in the literature in individuals affected with PEPD-related conditions. Algorithms developed to predict the effect of missense changes on protein structure and function are either unavailable or do not agree on the potential impact of this missense change (SIFT: "Deleterious"; PolyPhen-2: "Probably Damaging"; Align-GVGD: "Class C0"). Algorithms developed to predict the effect of sequence changes on RNA splicing suggest that this variant may create or strengthen a splice site. In summary, the available evidence is currently insufficient to determine the role of this variant in disease. Therefore, it has been classified as a Variant of Uncertain Significance.

NM_000285.4(PEPD):c.80G>A (p.Arg27Gln)

Gene: PEPD (peptidase D; minus strand). Cytogenetic location: 19q13.11.
Variant type: single nucleotide variant.
Coding change: c.80G>A on transcript NM_000285.4 (MANE Select); coding-DNA position 80, G replaced by A.
Protein change: p.Arg27Gln; replaces arginine 27 with glutamine.
Molecular consequence: missense variant.
Genome position (GRCh38, 1-based): chr19:33,512,714, C>T on the plus strand (G>A on the coding strand, the complement: PEPD is on the minus strand). VCF-style: chr19-33512714-C-T. GRCh37 (hg19) VCF-style: chr19-34003620-C-T.
Other names: c.80G>A, p.Arg27Gln (NM_001166056.2, NM_001166057.2); short protein forms R27Q.
Identifiers: ClinVar variation 1990128 (VCV001990128.1), dbSNP rs372527759, ClinGen allele CA9364500.